The following is an entry in ClinVar:

ClinVar aggregate classification (germline): Uncertain significance (1 of 4 stars; one submission).

Allele frequency attached by ClinVar (database versions not stated): gnomAD exomes below 0.00001; TOPMed below 0.00001.
gnomAD v4.1: 3 of 1,613,118 alleles (0.00019%); highest among the groups gnomAD compares: Non-Finnish European, 0.00025%; no homozygotes.

Submission:

GeneDx
Classification: Uncertain significance. Last evaluated: 2022-09-16. Review status: criteria provided, single submitter. Criteria: GeneDx Variant Classification Process June 2021. Collection method: clinical testing. Allele origin: germline. Affected: yes.
Comment: Not observed at significant frequency in large population cohorts (gnomAD); In silico analysis supports that this missense variant has a deleterious effect on protein structure/function; Has not been previously published as pathogenic or benign to our knowledge

NM_030665.4(RAI1):c.3919C>T (p.Arg1307Trp)

Gene: RAI1 (retinoic acid induced 1; plus strand). Cytogenetic location: 17p11.2.
Variant type: single nucleotide variant.
Coding change: c.3919C>T on transcript NM_030665.4 (MANE Select); coding-DNA position 3919, C replaced by T.
Protein change: p.Arg1307Trp; replaces arginine 1307 with tryptophan.
Molecular consequence: missense variant.
Genome position (GRCh38, 1-based): chr17:17,796,867, C>T. VCF-style: chr17-17796867-C-T. GRCh37 (hg19) VCF-style: chr17-17700181-C-T.
Other names: short protein forms R1307W.
Identifiers: ClinVar variation 1706926 (VCV001706926.2), dbSNP rs367703186, ClinGen allele CA288370806.